The following is an entry in ClinVar:

ClinVar aggregate classification (germline): Likely benign. Review status: criteria provided, multiple submitters, no conflicts (2 of 4 stars). 2 submissions from 2 submitters: Likely benign (2). Last evaluated 2026-05-01.

Submissions (2):

CeGaT Center for Human Genetics Tuebingen
Classification: Likely benign. Last evaluated: 2026-05-01. Review status: criteria provided, single submitter. Criteria: CeGaT Center For Human Genetics Tuebingen Variant Classification Criteria Version 2. Collection method: clinical testing. Allele origin: germline. Affected: yes. Observed: 1 variant allele.
Comment: TUBA1B: PM2:Supporting, BP4, BP7

Ambry Genetics
Classification: Likely benign. Last evaluated: 2025-12-22. Review status: criteria provided, single submitter. Criteria: Ambry Variant Classification Scheme 2023. Collection method: clinical testing. Allele origin: germline.

NM_006082.3(TUBA1B):c.522A>C (p.Ala174=)

Gene: TUBA1B (tubulin alpha 1b; minus strand). Cytogenetic location: 12q13.12.
Variant type: single nucleotide variant.
Coding change: c.522A>C on transcript NM_006082.3 (MANE Select); coding-DNA position 522, A replaced by C.
Protein change: p.Ala174=; no amino-acid change (alanine 174 retained).
Molecular consequence: synonymous variant.
Genome position (GRCh38, 1-based): chr12:49,128,792, T>G on the plus strand (A>C on the coding strand, the complement: TUBA1B is on the minus strand). VCF-style: chr12-49128792-T-G. GRCh37 (hg19) VCF-style: chr12-49522575-T-G.
Identifiers: ClinVar variation 4831692 (VCV004831692.3).